The following is an entry in ClinVar:

ClinVar aggregate classification (germline): Uncertain significance (1 of 4 stars; one submission).

Allele frequency attached by ClinVar (database versions not stated): ExAC 0.00001.
gnomAD v4.1: 3 of 1,519,158 alleles (0.0002%); highest among the groups gnomAD compares: Middle Eastern, 0.018%; no homozygotes.

Submission:

Labcorp Genetics (formerly Invitae), Labcorp
Classification: Uncertain significance. Last evaluated: 2023-12-11. Review status: criteria provided, single submitter. Criteria: Invitae Variant Classification Sherloc (09022015). Collection method: clinical testing. Allele origin: germline.
Comment: This sequence change replaces proline, which is neutral and non-polar, with leucine, which is neutral and non-polar, at codon 271 of the DGAT1 protein (p.Pro271Leu). The frequency data for this variant in the population databases is considered unreliable, as metrics indicate poor data quality at this position in the gnomAD database. This variant has not been reported in the literature in individuals affected with DGAT1-related conditions. ClinVar contains an entry for this variant (Variation ID: 1902730). Advanced modeling of protein sequence and biophysical properties (such as structural, functional, and spatial information, amino acid conservation, physicochemical variation, residue mobility, and thermodynamic stability) performed at Invitae indicates that this missense variant is not expected to disrupt DGAT1 protein function with a negative predictive value of 80%. In summary, the available evidence is currently insufficient to determine the role of this variant in disease. Therefore, it has been classified as a Variant of Uncertain Significance.

NM_012079.6(DGAT1):c.812C>T (p.Pro271Leu)

Gene: DGAT1 (diacylglycerol O-acyltransferase 1; minus strand). Cytogenetic location: 8q24.3.
Variant type: single nucleotide variant.
Coding change: c.812C>T on transcript NM_012079.6 (MANE Select); coding-DNA position 812, C replaced by T.
Protein change: p.Pro271Leu; replaces proline 271 with leucine.
Molecular consequence: missense variant.
Genome position (GRCh38, 1-based): chr8:144,317,957, G>A on the plus strand (C>T on the coding strand, the complement: DGAT1 is on the minus strand). VCF-style: chr8-144317957-G-A. GRCh37 (hg19) VCF-style: chr8-145541620-G-A.
Other names: short protein forms P271L.
Identifiers: ClinVar variation 1902730 (VCV001902730.3), dbSNP rs782804473, ClinGen allele CA4936832.